The following is an entry in ClinVar:

ClinVar aggregate classification (germline): Uncertain significance. Review status: criteria provided, multiple submitters, no conflicts (2 of 4 stars). 3 submissions from 3 submitters: Uncertain significance (3). Last evaluated 2023-05-17.

Conditions:
Inborn genetic diseases. Identifiers: MedGen C0950123, MeSH D030342.
Ehlers-Danlos syndrome, dermatosparaxis type. Also called: Ehlers-Danlos syndrome, type VII, autosomal recessive; EDS VIIC; Dermatosparaxis. Identifiers: Orphanet 1901, MedGen C2700425, MONDO:0009161, OMIM 225410.

gnomAD v4.1: 1 of 1,613,148 alleles (0.000062%); highest among the groups gnomAD compares: Non-Finnish European, 0.000085%; no homozygotes.

Submissions (3):

Ambry Genetics
Classification: Uncertain significance for Inborn genetic diseases. Last evaluated: 2023-05-17. Review status: criteria provided, single submitter. Criteria: Ambry Variant Classification Scheme 2023. Collection method: clinical testing. Allele origin: germline.

Labcorp Genetics (formerly Invitae), Labcorp
Classification: Uncertain significance for Ehlers-Danlos syndrome, dermatosparaxis type. Last evaluated: 2022-01-28. Review status: criteria provided, single submitter. Criteria: Invitae Variant Classification Sherloc (09022015). Collection method: clinical testing. Allele origin: germline.
Comment: This sequence change replaces arginine, which is basic and polar, with serine, which is neutral and polar, at codon 691 of the ADAMTS2 protein (p.Arg691Ser). This variant is not present in population databases (gnomAD no frequency). This variant has not been reported in the literature in individuals affected with ADAMTS2-related conditions. Algorithms developed to predict the effect of missense changes on protein structure and function (SIFT, PolyPhen-2, Align-GVGD) all suggest that this variant is likely to be disruptive. In summary, the available evidence is currently insufficient to determine the role of this variant in disease. Therefore, it has been classified as a Variant of Uncertain Significance.

Blueprint Genetics
Classification: Uncertain significance. Last evaluated: 2019-09-17. Review status: criteria provided, single submitter. Criteria: ACMG Guidelines, 2015. Collection method: clinical testing. Allele origin: germline.

NM_014244.5(ADAMTS2):c.2071C>A (p.Arg691Ser)

Gene: ADAMTS2 (ADAM metallopeptidase with thrombospondin type 1 motif 2; minus strand). Cytogenetic location: 5q35.3.
Variant type: single nucleotide variant.
Coding change: c.2071C>A on transcript NM_014244.5 (MANE Select); coding-DNA position 2071, C replaced by A.
Protein change: p.Arg691Ser; replaces arginine 691 with serine.
Molecular consequence: missense variant.
Genome position (GRCh38, 1-based): chr5:179,135,923, G>T on the plus strand (C>A on the coding strand, the complement: ADAMTS2 is on the minus strand). VCF-style: chr5-179135923-G-T. GRCh37 (hg19) VCF-style: chr5-178562924-G-T.
Other names: c.2071C>A (NM_014244.4); short protein forms R691S.
Identifiers: ClinVar variation 1910616 (VCV001910616.5), dbSNP rs753921602, ClinGen allele CA362425525.